The following is an entry in ClinVar:

NM_014861.4(ATP2C2):c.955C>G (p.Gln319Glu)

Gene: ATP2C2 (ATPase secretory pathway Ca2+ transporting 2; plus strand). Cytogenetic location: 16q24.1.
Variant type: single nucleotide variant.
Coding change: c.955C>G on transcript NM_014861.4 (MANE Select); coding-DNA position 955, C replaced by G.
Protein change: p.Gln319Glu; replaces glutamine 319 with glutamic acid.
Molecular consequence: missense variant.
Genome position (GRCh38, 1-based): chr16:84,425,770, C>G. VCF-style: chr16-84425770-C-G. GRCh37 (hg19) VCF-style: chr16-84459376-C-G.
Other names: c.955C>G (NM_014861.2); c.955C>G, p.Gln319Glu (NM_001286527.3); c.502C>G, p.Gln168Glu (NM_001291454.2); short protein forms Q168E, Q319E.
Identifiers: ClinVar variation 714851 (VCV000714851.6), dbSNP rs62640932, ClinGen allele CA8207065.
Genomic context (GRCh38, chr16:84,425,770, plus strand): 5'-AAGGATGTTTTTGTCTCTTCCCCAGGTCTCATCATGCTCATTGGCTGGTCGCAAGGGAAA[C>G]AACTCCTGAGTATGTTCACGATCGGGGTCAGGTAAGAGTGCTATGGCCGCCCCTTGCCTT-3'
Protein context (NP_055676.3, residues 309-329): IMLIGWSQGK[Gln319Glu]LLSMFTIGVS

ClinVar aggregate classification (germline): Conflicting classifications of pathogenicity. Review status: criteria provided, conflicting classifications (1 of 4 stars). 3 submissions from 3 submitters: Uncertain significance (1); Benign (1). 1 of the submissions does not count toward it. Last evaluated 2025-08-05.

Conditions:
ATP2C2-related disorder. Also called: ATP2C2-related condition.

Allele frequency attached by ClinVar (database versions not stated): gnomAD exomes 0.00046; ExAC 0.00052; gnomAD 0.00198 and 0.00208; TOPMed 0.00206; ESP Exome Variant Server 0.00234; 1000 Genomes Project 0.00319; 1000 Genomes Project 30x 0.00359.
gnomAD v4.1: 682 of 1,614,128 alleles (0.042%); highest among the groups gnomAD compares: African/African-American, 0.75%; 1 homozygote.

Submissions (3):

Ambry Genetics
Classification: Uncertain significance. Last evaluated: 2025-08-05. Review status: criteria provided, single submitter. Criteria: Ambry Variant Classification Scheme 2023. Collection method: clinical testing. Allele origin: germline.

Labcorp Genetics (formerly Invitae), Labcorp
Classification: Benign. Last evaluated: 2018-07-17. Review status: criteria provided, single submitter. Criteria: Invitae Variant Classification Sherloc (09022015). Collection method: clinical testing. Allele origin: germline.

PreventionGenetics, part of Exact Sciences
Classification: Benign for ATP2C2-related condition. Last evaluated: 2020-02-26. Review status: no assertion criteria provided. Collection method: clinical testing. Allele origin: germline. Not counted in ClinVar's aggregate classification.
Comment: This variant is classified as benign based on ACMG/AMP sequence variant interpretation guidelines (Richards et al. 2015 PMID: 25741868, with internal and published modifications).